The following is an entry in ClinVar:

NM_001083926.2(ASRGL1):c.130G>A (p.Ala44Thr)

Gene: ASRGL1 (asparaginase and isoaspartyl peptidase 1; plus strand). Cytogenetic location: 11q12.3.
Variant type: single nucleotide variant.
Coding change: c.130G>A on transcript NM_001083926.2 (MANE Select); coding-DNA position 130, G replaced by A.
Protein change: p.Ala44Thr; replaces alanine 44 with threonine.
Molecular consequence: missense variant.
Genome position (GRCh38, 1-based): chr11:62,338,107, G>A. VCF-style: chr11-62338107-G-A. GRCh37 (hg19) VCF-style: chr11-62105579-G-A.
Other names: c.130G>A, p.Ala44Thr (NM_025080.4); short protein forms A44T.
Identifiers: ClinVar variation 2054789 (VCV002054789.4), dbSNP rs765198534, ClinGen allele CA6043094.

ClinVar aggregate classification (germline): Uncertain significance (1 of 4 stars; one submission).

Allele frequency attached by ClinVar (database versions not stated): TOPMed below 0.00001; ExAC 0.00001; gnomAD exomes 0.00001.

Submission:

Labcorp Genetics (formerly Invitae), Labcorp
Classification: Uncertain significance. Last evaluated: 2022-07-06. Review status: criteria provided, single submitter. Criteria: Invitae Variant Classification Sherloc (09022015). Collection method: clinical testing. Allele origin: germline.
Comment: In summary, the available evidence is currently insufficient to determine the role of this variant in disease. Therefore, it has been classified as a Variant of Uncertain Significance. Algorithms developed to predict the effect of missense changes on protein structure and function are either unavailable or do not agree on the potential impact of this missense change (SIFT: "Deleterious"; PolyPhen-2: "Probably Damaging"; Align-GVGD: "Class C0"). This variant has not been reported in the literature in individuals affected with ASRGL1-related conditions. This variant is present in population databases (rs765198534, gnomAD 0.001%). This sequence change replaces alanine, which is neutral and non-polar, with threonine, which is neutral and polar, at codon 44 of the ASRGL1 protein (p.Ala44Thr).